The following is an entry in ClinVar:

NM_003000.3(SDHB):c.193C>G (p.Leu65Val)

Gene: SDHB (succinate dehydrogenase complex iron sulfur subunit B; minus strand). Cytogenetic location: 1p36.13.
Variant type: single nucleotide variant.
Coding change: c.193C>G on transcript NM_003000.3 (MANE Select); coding-DNA position 193, C replaced by G.
Protein change: p.Leu65Val; replaces leucine 65 with valine.
Molecular consequence: missense variant.
Genome position (GRCh38, 1-based): chr1:17,044,768, G>C on the plus strand (C>G on the coding strand, the complement: SDHB is on the minus strand). VCF-style: chr1-17044768-G-C. GRCh37 (hg19) VCF-style: chr1-17371263-G-C.
Other names: short protein forms L65V.
Identifiers: ClinVar variation 1317026 (VCV001317026.8), dbSNP rs786202185, ClinGen allele CA338227700.

ClinVar aggregate classification (germline): Uncertain significance. Review status: criteria provided, multiple submitters, no conflicts (2 of 4 stars). 2 submissions from 2 submitters: Uncertain significance (2). Last evaluated 2023-02-14.

Conditions:
Gastrointestinal stromal tumor. Also called: Gastrointestinal stroma tumor; Gastrointestinal stromal tumor, somatic. Identifiers: Orphanet 44890, MedGen C0238198, MeSH D046152, MONDO:0011719, OMIM 606764, HP:0100723.
Pheochromocytoma/paraganglioma syndrome 4. Also called: SDHB-Related Hereditary Paraganglioma-Pheochromocytoma Syndrome (Paragangliomas 4); Paragangliomas 4; SDHB-Related Hereditary Paraganglioma-Pheochromocytoma Syndrome; CAROTID BODY TUMORS AND MULTIPLE EXTRAADRENAL PHEOCHROMOCYTOMAS; PARAGANGLIOMA, FAMILIAL MALIGNANT; PARAGANGLIOMAS, HEREDITARY EXTRAADRENAL. Identifiers: Orphanet 29072, MedGen C1861848, MONDO:0007273, OMIM 115310.
Pheochromocytoma. Also called: MAX-Related Hereditary Paraganglioma-Pheochromocytoma Syndrome. Identifiers: Orphanet 29072, MedGen C0031511, MONDO:0008233, OMIM 171300, HP:0002666.

Submissions (2):

Labcorp Genetics (formerly Invitae), Labcorp
Classification: Uncertain significance for Gastrointestinal stromal tumor; Pheochromocytoma/paraganglioma syndrome 4; Pheochromocytoma. Last evaluated: 2023-02-14. Review status: criteria provided, single submitter. Criteria: Invitae Variant Classification Sherloc (09022015). Collection method: clinical testing. Allele origin: germline.
Comment: In summary, the available evidence is currently insufficient to determine the role of this variant in disease. Therefore, it has been classified as a Variant of Uncertain Significance. This variant disrupts the p.Leu65 amino acid residue in SDHB. Other variant(s) that disrupt this residue have been determined to be pathogenic (PMID: 15328326, 22835832; Invitae). This suggests that this residue is clinically significant, and that variants that disrupt this residue are likely to be disease-causing. Advanced modeling of protein sequence and biophysical properties (such as structural, functional, and spatial information, amino acid conservation, physicochemical variation, residue mobility, and thermodynamic stability) performed at Invitae indicates that this missense variant is not expected to disrupt SDHB protein function. ClinVar contains an entry for this variant (Variation ID: 1317026). This variant has not been reported in the literature in individuals affected with SDHB-related conditions. This variant is not present in population databases (gnomAD no frequency). This sequence change replaces leucine, which is neutral and non-polar, with valine, which is neutral and non-polar, at codon 65 of the SDHB protein (p.Leu65Val).

GeneDx
Classification: Uncertain significance. Last evaluated: 2019-06-28. Review status: criteria provided, single submitter. Criteria: GeneDx Variant Classification Process June 2021. Collection method: clinical testing. Allele origin: germline. Affected: yes.
Comment: Not observed in large population cohorts (Lek et al., 2016); Has not been previously published as pathogenic or benign to our knowledge

Literature cited by the submitters: PubMed 15328326 (cited by Labcorp Genetics (formerly Invitae), Labcorp); PubMed 22835832 (cited by Labcorp Genetics (formerly Invitae), Labcorp).